The following is an entry in ClinVar:

NM_005629.4(SLC6A8):c.1831G>A (p.Ala611Thr)

Gene: SLC6A8 (solute carrier family 6 member 8; plus strand). Cytogenetic location: Xq28.
Variant type: single nucleotide variant.
Coding change: c.1831G>A on transcript NM_005629.4 (MANE Select); coding-DNA position 1831, G replaced by A.
Protein change: p.Ala611Thr; replaces alanine 611 with threonine.
Molecular consequence: missense variant.
Genome position (GRCh38, 1-based): chrX:153,695,137, G>A. VCF-style: chrX-153695137-G-A. GRCh37 (hg19) VCF-style: chrX-152960592-G-A.
Other names: c.1801G>A, p.Ala601Thr (NM_001142805.2); c.1486G>A, p.Ala496Thr (NM_001142806.1); short protein forms A611T, A601T, A496T.
Identifiers: ClinVar variation 386466 (VCV000386466.9), dbSNP rs146949376, ClinGen allele CA10549669.

ClinVar aggregate classification (germline): Likely benign. Review status: criteria provided, multiple submitters, no conflicts (2 of 4 stars). 2 submissions from 2 submitters: Likely benign (2). Last evaluated 2025-12-23.

Conditions:
Creatine transporter deficiency (CCDS1). Also called: SLC6A8-Related Creatine Transporter Deficiency; CREATINE TRANSPORTER DEFECT; CEREBRAL CREATINE DEFICIENCY SYNDROME 1; Mental retardation , X-linked with seizures, short stature and midface hypoplasia; Mental retardation , X-linked, with creatine transport deficiency; X-linked creatine transporter deficiency. Identifiers: Orphanet 52503, MedGen C1845862, MONDO:0010305, OMIM 300352.

Allele frequency attached by ClinVar (database versions not stated): gnomAD 0.00002 and 0.00003; TOPMed 0.00003; gnomAD exomes 0.00004 and 0.00005; ExAC 0.00005; ESP Exome Variant Server 0.00009.

Submissions (2):

Labcorp Genetics (formerly Invitae), Labcorp
Classification: Likely benign for Creatine transporter deficiency. Last evaluated: 2025-12-23. Review status: criteria provided, single submitter. Criteria: Invitae Variant Classification Sherloc (09022015). Collection method: clinical testing. Allele origin: germline.

GeneDx
Classification: Likely benign. Last evaluated: 2020-01-28. Review status: criteria provided, single submitter. Criteria: GeneDx Variant Classification Process June 2021. Collection method: clinical testing. Allele origin: germline. Affected: yes.
Comment: This variant is associated with the following publications: (PMID: 25861866)